The following is an entry in ClinVar:

ClinVar aggregate classification (germline): Uncertain significance (1 of 4 stars; one submission).

Submission:

GeneDx
Classification: Uncertain significance. Last evaluated: 2024-09-12. Review status: criteria provided, single submitter. Criteria: GeneDx Variant Classification Process June 2021. Collection method: clinical testing. Allele origin: germline. Affected: yes.
Comment: Not observed at significant frequency in large population cohorts (gnomAD); In silico analysis supports that this missense variant has a deleterious effect on protein structure/function; Has not been previously published as pathogenic or benign to our knowledge

NM_006922.4(SCN3A):c.300C>G (p.Phe100Leu)

Gene: SCN3A (sodium voltage-gated channel alpha subunit 3; minus strand). Cytogenetic location: 2q24.3.
Variant type: single nucleotide variant.
Coding change: c.300C>G on transcript NM_006922.4 (MANE Select); coding-DNA position 300, C replaced by G.
Protein change: p.Phe100Leu; replaces phenylalanine 100 with leucine.
Molecular consequence: missense variant.
Genome position (GRCh38, 1-based): chr2:165,170,513, G>C on the plus strand (C>G on the coding strand, the complement: SCN3A is on the minus strand). VCF-style: chr2-165170513-G-C. GRCh37 (hg19) VCF-style: chr2-166027023-G-C.
Other names: c.300C>G, p.Phe100Leu (NM_001081676.2, NM_001081677.2); short protein forms F100L.
Identifiers: ClinVar variation 3769712 (VCV003769712.1).
Genomic context (GRCh38, chr2:165,170,513, plus strand): 5'-AATTTTCCTAACAGGGTTTAGTGGAGTTAAAATATACAAGGCAGAGGTGGCACTGAATCG[G>C]AAAATTGCCTTTCCTTTATTCATTACTATAAAAGTCTGAAAAAGAAAATACGAGTAAAAT-3'
Protein context (NP_008853.3, residues 90-110): FIVMNKGKAI[Phe100Leu]RFSATSALYI